The following is an entry in ClinVar:

ClinVar aggregate classification (germline): Uncertain significance. Review status: criteria provided, multiple submitters, no conflicts (2 of 4 stars). 2 submissions from 2 submitters: Uncertain significance (2). Last evaluated 2024-10-15.

Conditions:
Inborn genetic diseases. Identifiers: MedGen C0950123, MeSH D030342.

Allele frequency attached by ClinVar (database versions not stated): ExAC 0.00003; ESP Exome Variant Server 0.00008; TOPMed 0.00008; gnomAD 0.00010; gnomAD exomes 0.00014.
gnomAD v4.1: 207 of 1,600,034 alleles (0.013%); highest among the groups gnomAD compares: Non-Finnish European, 0.017%; 1 homozygote.

Submissions (2):

Labcorp Genetics (formerly Invitae), Labcorp
Classification: Uncertain significance. Last evaluated: 2024-10-15. Review status: criteria provided, single submitter. Criteria: Invitae Variant Classification Sherloc (09022015). Collection method: clinical testing. Allele origin: germline.
Comment: This sequence change replaces threonine, which is neutral and polar, with alanine, which is neutral and non-polar, at codon 1972 of the EXPH5 protein (p.Thr1972Ala). This variant is present in population databases (rs368111392, gnomAD 0.01%). This variant has not been reported in the literature in individuals affected with EXPH5-related conditions. ClinVar contains an entry for this variant (Variation ID: 2163089). An algorithm developed to predict the effect of missense changes on protein structure and function (PolyPhen-2) suggests that this variant is likely to be disruptive. In summary, the available evidence is currently insufficient to determine the role of this variant in disease. Therefore, it has been classified as a Variant of Uncertain Significance.

Ambry Genetics
Classification: Uncertain significance for Inborn genetic diseases. Last evaluated: 2023-01-25. Review status: criteria provided, single submitter. Criteria: Ambry Variant Classification Scheme 2023. Collection method: clinical testing. Allele origin: germline.

NM_015065.3(EXPH5):c.5914A>G (p.Thr1972Ala)

Gene: EXPH5 (exophilin 5; minus strand). Cytogenetic location: 11q22.3.
Variant type: single nucleotide variant.
Coding change: c.5914A>G on transcript NM_015065.3 (MANE Select); coding-DNA position 5914, A replaced by G.
Protein change: p.Thr1972Ala; replaces threonine 1972 with alanine.
Molecular consequence: missense variant.
Genome position (GRCh38, 1-based): chr11:108,509,593, T>C on the plus strand (A>G on the coding strand, the complement: EXPH5 is on the minus strand). VCF-style: chr11-108509593-T-C. GRCh37 (hg19) VCF-style: chr11-108380320-T-C.
Other names: c.5686A>G, p.Thr1896Ala (NM_001144763.2); c.5446A>G, p.Thr1816Ala (NM_001144764.2); c.5350A>G, p.Thr1784Ala (NM_001144765.2); c.5893A>G, p.Thr1965Ala (NM_001308019.2); c.5914A>G (NM_015065.2); short protein forms T1896A, T1965A, T1816A, T1972A, T1784A.
Identifiers: ClinVar variation 2163089 (VCV002163089.5), dbSNP rs368111392, ClinGen allele CA6267257.
Genomic context (GRCh38, chr11:108,509,593, plus strand): 5'-AGCCTCACAGTTCTGACTCTTTGTCATTTTCATCCAGGTAGTATTCATCATCTGTGGTTG[T>C]GTCTGTGTCACAATCTGAGTCCACTGGGTCATCCTCATAGATATTAAGCGGTTCACTTGG-3'
Protein context (NP_055880.2, residues 1962-1982): DPVDSDCDTD[Thr1972Ala]TTDDEYYLDE